The following is an entry in ClinVar:

ClinVar aggregate classification (germline): Likely pathogenic (1 of 4 stars; one submission).

Conditions:
TBL1XR1-related neurodevelopmental disorder.

Submission:

Illumina Laboratory Services, Illumina
Classification: Likely pathogenic for TBL1XR1-related neurodevelopmental disorder. Last evaluated: 2023-08-04. Review status: criteria provided, single submitter. Criteria: ICSLVariantClassificationCriteria RUGD 01 April 2020. Collection method: clinical testing. Allele origin: unknown.
Comment: The TBL1XR1 c.1106A>G (p.Asp369Gly) missense variant has not, to our knowledge, been reported in the peer-reviewed literature. However, another variant at the same amino acid position, c.1107C>A (p.Asp369Gly), classified as a variant of uncertain significance, has been reported in a heterozygous de novo state in an individual with a developmental disorder (PMID:31785789). The c.1106A>G variant is not observed in version 2.1.1 or version 3.1.2 of the Genome Aggregation Database. The c.1106A>G variant is located in a known mutational hotspot (PMID: 32524419) with multiple lines of computational evidence suggesting the variant may impact the gene or gene product. This variant was identified in a de novo state. Based on the available evidence, the c.1106A>G (p.Asp369Gly) variant is classified as likely pathogenic for TBL1XR1-related neurodevelopmental disorder.

Literature cited by the submitters: PubMed 31785789; PubMed 32524419.

NM_024665.7(TBL1XR1):c.1106A>G (p.Asp369Gly)

Genes: TBL1XR1 (TBL1X/Y related 1; minus strand), TBL1XR1-AS1 (TBL1XR1 antisense RNA 1; plus strand), LOC126806878 (CDK7 strongly-dependent group 2 enhancer GRCh37_chr3:176755168-176756367; plus strand). Cytogenetic location: 3q26.32.
Variant type: single nucleotide variant.
Coding change: c.1106A>G on transcript NM_024665.7 (MANE Select); coding-DNA position 1106, A replaced by G.
Protein change: p.Asp369Gly; replaces aspartic acid 369 with glycine.
Molecular consequence: missense variant.
Genome position (GRCh38, 1-based): chr3:177,038,114, T>C on the plus strand (A>G on the coding strand, the complement: TBL1XR1 is on the minus strand). VCF-style: chr3-177038114-T-C. GRCh37 (hg19) VCF-style: chr3-176755902-T-C.
Other names: c.1106A>G, p.Asp369Gly (NM_001321193.3, NM_001321194.3, NM_001374327.1 and 2 more transcripts); c.845A>G, p.Asp282Gly (NM_001321195.3, NM_001374330.1); short protein forms D282G, D369G.
Identifiers: ClinVar variation 2627906 (VCV002627906.1), dbSNP rs2473632273, ClinGen allele CA355554975.